The following is an entry in ClinVar:

NM_005859.5(PURA):c.132CGG[6] (p.Gly49dup)

Gene: PURA (purine rich element binding protein A; plus strand). Cytogenetic location: 5q31.3.
Variant type: Microsatellite.
Coding change: c.132CGG[6] on transcript NM_005859.5 (MANE Select); six copies in a row of the 3-base unit CGG starting at c.132; the reference has five copies in a row; one copy, 3 bases duplicated.
Protein change: p.Gly49dup; duplicates glycine 49.
Molecular consequence: inframe insertion.
Genome position (GRCh38, 1-based): chr5:140,114,325-140,114,327, CGG duplicated; duplicating any 3 consecutive bases within chr5:140,114,311-140,114,327 gives the same sequence; the position shown is the placement nearest the transcript's 3' end. VCF-style (leftmost placement, unchanged base first): chr5-140114310-T-TGGC. GRCh37 (hg19) VCF-style: chr5-139493895-T-TGGC.
Other names: c.144_146dupCGG (NM_005859.4).
Identifiers: ClinVar variation 436451 (VCV000436451.47), dbSNP rs754074166, ClinGen allele CA3437420.
Genomic context (GRCh38, chr5:140,114,310, plus strand): 5'-CCCCGGCTCGGGCTCAGGCTCCGGCGGGGGCGGTGGTGGCGGCGGGGGCGGCGGCGGCAG[T>TGGC]GGCGGCGGCGGCGGCGGGGCCCCAGGGGGGCTGCAGCACGAGACGCAGGAGCTGGCCTCC-3'

ClinVar aggregate classification (germline): Conflicting classifications of pathogenicity. Review status: criteria provided, conflicting classifications (1 of 4 stars). 7 submissions from 7 submitters: Uncertain significance (1); Benign (2); Likely benign (3). 1 of the submissions does not count toward it. Last evaluated 2025-12-19.

Conditions:
Inborn genetic diseases. Identifiers: MedGen C0950123, MeSH D030342.
PURA-related severe neonatal hypotonia-seizures-encephalopathy syndrome (NEDRIHF). Also called: NEURODEVELOPMENTAL DISORDER WITH NEONATAL RESPIRATORY INSUFFICIENCY, HYPOTONIA, AND FEEDING DIFFICULTIES; PURA-Related Neurodevelopmental Disorders. Identifiers: Orphanet 438213, Orphanet 438216, MedGen C4015357, MONDO:1060108, OMIM 616158, MONDO:0018580.
PURA-related disorder. Also called: PURA-related condition.

Submissions (7):

Labcorp Genetics (formerly Invitae), Labcorp
Classification: Likely benign for PURA-related severe neonatal hypotonia-seizures-encephalopathy syndrome. Last evaluated: 2025-12-19. Review status: criteria provided, single submitter. Criteria: Invitae Variant Classification Sherloc (09022015). Collection method: clinical testing. Allele origin: germline.

CeGaT Center for Human Genetics Tuebingen
Classification: Benign. Last evaluated: 2025-09-01. Review status: criteria provided, single submitter. Criteria: CeGaT Center For Human Genetics Tuebingen Variant Classification Criteria Version 2. Collection method: clinical testing. Allele origin: germline. Affected: yes. Observed: 8 variant alleles.
Comment: PURA: BS1, BS2

Blueprint Genetics
Classification: Likely benign. Last evaluated: 2024-10-02. Review status: criteria provided, single submitter. Criteria: ACMG Guidelines, 2015. Collection method: clinical testing. Allele origin: germline.

GeneDx
Classification: Benign. Last evaluated: 2019-04-24. Review status: criteria provided, single submitter. Criteria: GeneDx Variant Classification Process June 2021. Collection method: clinical testing. Allele origin: germline. Affected: yes.

Ambry Genetics
Classification: Likely benign for Inborn genetic diseases. Last evaluated: 2017-12-18. Review status: criteria provided, single submitter. Criteria: Ambry Variant Classification Scheme 2023. Collection method: clinical testing. Allele origin: germline.

Genetic Services Laboratory, University of Chicago
Classification: Uncertain significance. Last evaluated: 2016-09-07. Review status: criteria provided, single submitter. Criteria: ACMG Guidelines, 2015. Collection method: clinical testing. Allele origin: germline. Affected: no.

PreventionGenetics, part of Exact Sciences
Classification: Likely benign for PURA-related condition. Last evaluated: 2021-07-27. Review status: no assertion criteria provided. Collection method: clinical testing. Allele origin: germline. Not counted in ClinVar's aggregate classification.
Comment: This variant is classified as likely benign based on ACMG/AMP sequence variant interpretation guidelines (Richards et al. 2015 PMID: 25741868, with internal and published modifications).